The following is an entry in ClinVar:

NM_022051.3(EGLN1):c.288A>C (p.Ala96=)

Gene: EGLN1 (egl-9 family hypoxia inducible factor 1; minus strand). Cytogenetic location: 1q42.2.
Variant type: single nucleotide variant.
Coding change: c.288A>C on transcript NM_022051.3 (MANE Select); coding-DNA position 288, A replaced by C.
Protein change: p.Ala96=; no amino-acid change (alanine 96 retained).
Molecular consequence: synonymous variant.
Genome position (GRCh38, 1-based): chr1:231,421,601, T>G on the plus strand (A>C on the coding strand, the complement: EGLN1 is on the minus strand). VCF-style: chr1-231421601-T-G. GRCh37 (hg19) VCF-style: chr1-231557347-T-G.
Other names: c.288A>C, p.Ala96= (NM_001377260.1, NM_001377261.1).
Identifiers: ClinVar variation 3051309 (VCV003051309.2), dbSNP rs2527360867, ClinGen allele CA424041100.

ClinVar aggregate classification (germline): Likely benign (0 of 4 stars; one submission).

Conditions:
EGLN1-related disorder. Also called: EGLN1-related condition.

Submission:

PreventionGenetics, part of Exact Sciences
Classification: Likely benign for EGLN1-related condition. Last evaluated: 2022-06-24. Review status: no assertion criteria provided. Collection method: clinical testing. Allele origin: germline.
Comment: This variant is classified as likely benign based on ACMG/AMP sequence variant interpretation guidelines (Richards et al. 2015 PMID: 25741868, with internal and published modifications).